The following is an entry in ClinVar:

NM_005560.6(LAMA5):c.8977G>A (p.Val2993Met)

Gene: LAMA5 (laminin subunit alpha 5; minus strand). Cytogenetic location: 20q13.33.
Variant type: single nucleotide variant.
Coding change: c.8977G>A on transcript NM_005560.6 (MANE Select); coding-DNA position 8977, G replaced by A.
Protein change: p.Val2993Met; replaces valine 2993 with methionine.
Molecular consequence: missense variant.
Genome position (GRCh38, 1-based): chr20:62,312,989, C>T on the plus strand (G>A on the coding strand, the complement: LAMA5 is on the minus strand). VCF-style: chr20-62312989-C-T. GRCh37 (hg19) VCF-style: chr20-60888045-C-T.
Other names: short protein forms V2993M.
Identifiers: ClinVar variation 2064474 (VCV002064474.3), dbSNP rs150827046, ClinGen allele CA9940471.
Genomic context (GRCh38, chr20:62,312,989, plus strand): 5'-GGACGGCCTTTTTCAGGCCAGCCCCAAAGTCATACAACAGCACGAGGCTGCCTTCTTGCA[C>T]GGCCAAGCACAGGAACTGGCTCTGCAGAAACAGGGCAGGGTTAGTGTGGGGCAGGGTCAG-3'
Protein context (NP_005551.3, residues 2983-3003): KQQSQFLCLA[Val2993Met]QEGSLVLLYD

ClinVar aggregate classification (germline): Uncertain significance (1 of 4 stars; one submission).

Allele frequency attached by ClinVar (database versions not stated): ExAC 0.00013; ESP Exome Variant Server 0.00015; TOPMed 0.00032; gnomAD 0.00035; 1000 Genomes Project 0.00060; 1000 Genomes Project 30x 0.00078.
gnomAD v4.1: 111 of 1,579,426 alleles (0.007%); highest among the groups gnomAD compares: African/African-American, 0.11%; no homozygotes.

Submission:

Labcorp Genetics (formerly Invitae), Labcorp
Classification: Uncertain significance. Last evaluated: 2023-10-18. Review status: criteria provided, single submitter. Criteria: Invitae Variant Classification Sherloc (09022015). Collection method: clinical testing. Allele origin: germline.
Comment: This sequence change replaces valine, which is neutral and non-polar, with methionine, which is neutral and non-polar, at codon 2993 of the LAMA5 protein (p.Val2993Met). This variant is present in population databases (rs150827046, gnomAD 0.1%). This variant has not been reported in the literature in individuals affected with LAMA5-related conditions. ClinVar contains an entry for this variant (Variation ID: 2064474). Advanced modeling of protein sequence and biophysical properties (such as structural, functional, and spatial information, amino acid conservation, physicochemical variation, residue mobility, and thermodynamic stability) performed at Invitae indicates that this missense variant is not expected to disrupt LAMA5 protein function. In summary, the available evidence is currently insufficient to determine the role of this variant in disease. Therefore, it has been classified as a Variant of Uncertain Significance.